The following is an entry in ClinVar:

NM_017763.6(RNF43):c.1187C>G (p.Pro396Arg)

Gene: RNF43 (ring finger protein 43; minus strand). Cytogenetic location: 17q22.
Variant type: single nucleotide variant.
Coding change: c.1187C>G on transcript NM_017763.6 (MANE Select); coding-DNA position 1187, C replaced by G.
Protein change: p.Pro396Arg; replaces proline 396 with arginine.
Molecular consequence: missense variant.
Genome position (GRCh38, 1-based): chr17:58,358,589, G>C on the plus strand (C>G on the coding strand, the complement: RNF43 is on the minus strand). VCF-style: chr17-58358589-G-C. GRCh37 (hg19) VCF-style: chr17-56435950-G-C.
Other names: c.1187C>G, p.Pro396Arg (NM_001305544.3, NM_001438820.1, NM_001438821.1 and 1 more transcripts); c.806C>G, p.Pro269Arg (NM_001305545.2, NM_001437987.1); short protein forms P396R, P269R.
Identifiers: ClinVar variation 4578989 (VCV004578989.1).

ClinVar aggregate classification (germline): Uncertain significance (1 of 4 stars; one submission).

Submission:

Ambry Genetics
Classification: Uncertain significance. Last evaluated: 2025-11-10. Review status: criteria provided, single submitter. Criteria: Ambry Variant Classification Scheme 2023. Collection method: clinical testing. Allele origin: germline.
Comment: The p.P396R variant (also known as c.1187C>G), located in coding exon 8 of the RNF43 gene, results from a C to G substitution at nucleotide position 1187. The proline at codon 396 is replaced by arginine, an amino acid with dissimilar properties. This amino acid position is conserved. In addition, this alteration is predicted to be tolerated by in silico analysis. Based on the available evidence, the clinical significance of this variant remains unclear.